The following is an entry in ClinVar:

ClinVar aggregate classification (germline): Pathogenic (1 of 4 stars; one submission).

Submission:

Labcorp Genetics (formerly Invitae), Labcorp
Classification: Pathogenic. Last evaluated: 2022-11-29. Review status: criteria provided, single submitter. Criteria: Invitae Variant Classification Sherloc (09022015). Collection method: clinical testing. Allele origin: germline.
Comment: This sequence change creates a premature translational stop signal (p.Arg214*) in the LPL gene. It is expected to result in an absent or disrupted protein product. Loss-of-function variants in LPL are known to be pathogenic (PMID: 11334614). This variant is not present in population databases (gnomAD no frequency). This variant has not been reported in the literature in individuals affected with LPL-related conditions. ClinVar contains an entry for this variant (Variation ID: 948095). For these reasons, this variant has been classified as Pathogenic.

Literature cited by the submitters: PubMed 11334614.

NM_000237.3(LPL):c.640A>T (p.Arg214Ter)

Gene: LPL (lipoprotein lipase; plus strand). Cytogenetic location: 8p21.3.
Variant type: single nucleotide variant.
Coding change: c.640A>T on transcript NM_000237.3 (MANE Select); coding-DNA position 640, A replaced by T.
Protein change: p.Arg214Ter; replaces arginine 214 with a stop codon.
Molecular consequence: nonsense.
Genome position (GRCh38, 1-based): chr8:19,954,218, A>T. VCF-style: chr8-19954218-A-T. GRCh37 (hg19) VCF-style: chr8-19811729-A-T.
Other names: short protein forms R214*.
Identifiers: ClinVar variation 948095 (VCV000948095.6), dbSNP rs2069962309, ClinGen allele CA370468459.